The following is an entry in ClinVar:

ClinVar aggregate classification (germline): Uncertain significance (1 of 4 stars; one submission).

Conditions:
Hereditary cancer-predisposing syndrome. Also called: Neoplastic Syndromes, Hereditary; Tumor predisposition; Hereditary neoplastic syndrome; Hereditary Cancer Syndrome. Identifiers: Orphanet 140162, MedGen C0027672, MeSH D009386, MONDO:0015356.

gnomAD v4.1: 1 of 1,614,064 alleles (0.000062%); no homozygotes.

Submission:

Ambry Genetics
Classification: Uncertain significance for Hereditary cancer-predisposing syndrome. Last evaluated: 2024-04-03. Review status: criteria provided, single submitter. Criteria: Ambry Variant Classification Scheme 2023. Collection method: clinical testing. Allele origin: germline.
Comment: The p.R1077Q variant (also known as c.3230G>A), located in coding exon 23 of the SMARCA4 gene, results from a G to A substitution at nucleotide position 3230. The arginine at codon 1077 is replaced by glutamine, an amino acid with highly similar properties. This amino acid position is highly conserved in available vertebrate species. In addition, this alteration is predicted to be deleterious by in silico analysis. Based on the available evidence, the clinical significance of this variant remains unclear.

NM_003072.5(SMARCA4):c.3230G>A (p.Arg1077Gln)

Gene: SMARCA4 (SWI/SNF related BAF chromatin remodeling complex subunit ATPase 4; plus strand). Cytogenetic location: 19p13.2.
Variant type: single nucleotide variant.
Coding change: c.3230G>A on transcript NM_003072.5 (MANE Select); coding-DNA position 3230, G replaced by A.
Protein change: p.Arg1077Gln; replaces arginine 1077 with glutamine.
Molecular consequence: missense variant. On other transcripts: non-coding transcript variant (1).
Genome position (GRCh38, 1-based): chr19:11,027,798, G>A. VCF-style: chr19-11027798-G-A. GRCh37 (hg19) VCF-style: chr19-11138474-G-A.
Other names: c.3230G>A, p.Arg1077Gln (NM_001128844.3, NM_001128845.2, NM_001128846.2 and 6 more transcripts); short protein forms R1077Q.
Identifiers: ClinVar variation 3320699 (VCV003320699.1).